The following is an entry in ClinVar:

ClinVar aggregate classification (germline): Likely benign (1 of 4 stars; one submission).

Conditions:
SEMA3G-related disorder. Also called: SEMA3G-related condition.

Submission:

PreventionGenetics, part of Exact Sciences
Classification: Likely benign for SEMA3G-related condition. Last evaluated: 2026-04-22. Review status: criteria provided, single submitter. Criteria: ACMG Guidelines, 2015. Collection method: clinical testing. Allele origin: germline.
Comment: This variant is classified as likely benign based on ACMG/AMP sequence variant interpretation guidelines (Richards et al. 2015 PMID: 25741868, with internal and published modifications).

NM_020163.3(SEMA3G):c.459+9G>A

Gene: SEMA3G (semaphorin 3G; minus strand). Cytogenetic location: 3p21.1.
Variant type: single nucleotide variant.
Coding change: c.459+9G>A on transcript NM_020163.3 (MANE Select); 9 bases into the intron after coding-DNA position 459, G replaced by A.
Molecular consequence: intron variant.
Genome position (GRCh38, 1-based): chr3:52,442,176, C>T on the plus strand (G>A on the coding strand, the complement: SEMA3G is on the minus strand). VCF-style: chr3-52442176-C-T. GRCh37 (hg19) VCF-style: chr3-52476192-C-T.
Identifiers: ClinVar variation 4994691 (VCV004994691.1).